The following is an entry in ClinVar:

NM_004484.4(GPC3):c.671A>G (p.Gln224Arg)

Gene: GPC3 (glypican 3; minus strand). Cytogenetic location: Xq26.2.
Variant type: single nucleotide variant.
Coding change: c.671A>G on transcript NM_004484.4 (MANE Select); coding-DNA position 671, A replaced by G.
Protein change: p.Gln224Arg; replaces glutamine 224 with arginine.
Molecular consequence: missense variant.
Genome position (GRCh38, 1-based): chrX:133,753,843, T>C on the plus strand (A>G on the coding strand, the complement: GPC3 is on the minus strand). VCF-style: chrX-133753843-T-C. GRCh37 (hg19) VCF-style: chrX-132887870-T-C.
Other names: c.671A>G, p.Gln224Arg (NM_001164617.2); c.623A>G, p.Gln208Arg (NM_001164618.2); c.509A>G, p.Gln170Arg (NM_001164619.2); short protein forms Q170R, Q224R, Q208R.
Identifiers: ClinVar variation 2695520 (VCV002695520.3), dbSNP rs112530065, ClinGen allele CA335981512.

ClinVar aggregate classification (germline): Uncertain significance (1 of 4 stars; one submission).

Conditions:
Wilms tumor 1 (WT1). Also called: Wilms tumor, somatic. Identifiers: Orphanet 654, MedGen CN033288, MONDO:0008679, OMIM 194070.

Submission:

Labcorp Genetics (formerly Invitae), Labcorp
Classification: Uncertain significance for Wilms tumor 1. Last evaluated: 2022-12-12. Review status: criteria provided, single submitter. Criteria: Invitae Variant Classification Sherloc (09022015). Collection method: clinical testing. Allele origin: germline.
Comment: Advanced modeling of protein sequence and biophysical properties (such as structural, functional, and spatial information, amino acid conservation, physicochemical variation, residue mobility, and thermodynamic stability) performed at Invitae indicates that this missense variant is not expected to disrupt GPC3 protein function. In summary, the available evidence is currently insufficient to determine the role of this variant in disease. Therefore, it has been classified as a Variant of Uncertain Significance. This variant has not been reported in the literature in individuals affected with GPC3-related conditions. This variant is not present in population databases (gnomAD no frequency). This sequence change replaces glutamine, which is neutral and polar, with arginine, which is basic and polar, at codon 224 of the GPC3 protein (p.Gln224Arg).